The following is an entry in ClinVar:

ClinVar aggregate classification (germline): Uncertain significance (1 of 4 stars; one submission).

Conditions:
Hereditary cancer-predisposing syndrome. Also called: Neoplastic Syndromes, Hereditary; Tumor predisposition; Hereditary Cancer Syndrome; Hereditary neoplastic syndrome. Identifiers: Orphanet 140162, MedGen C0027672, MeSH D009386, MONDO:0015356.

gnomAD v4.1: 1 of 1,614,180 alleles (0.000062%); highest among the groups gnomAD compares: South Asian, 0.0011%; no homozygotes.

Submission:

Ambry Genetics
Classification: Uncertain significance for Hereditary cancer-predisposing syndrome. Last evaluated: 2026-05-28. Review status: criteria provided, single submitter. Criteria: Ambry Variant Classification Scheme 2023. Collection method: clinical testing. Allele origin: germline.
Comment: The p.D1636G variant (also known as c.4907A>G), located in coding exon 22 of the DICER1 gene, results from an A to G substitution at nucleotide position 4907. The aspartic acid at codon 1636 is replaced by glycine, an amino acid with similar properties. This amino acid position is conserved. In addition, the in silico prediction for this alteration is inconclusive. Based on the available evidence, the clinical significance of this variant remains unclear.

NM_177438.3(DICER1):c.4907A>G (p.Asp1636Gly)

Gene: DICER1 (dicer 1, ribonuclease III; minus strand). Cytogenetic location: 14q32.13.
Variant type: single nucleotide variant.
Coding change: c.4907A>G on transcript NM_177438.3 (MANE Select); coding-DNA position 4907, A replaced by G.
Protein change: p.Asp1636Gly; replaces aspartic acid 1636 with glycine.
Molecular consequence: missense variant. On other transcripts: non-coding transcript variant (6).
Genome position (GRCh38, 1-based): chr14:95,096,013, T>C on the plus strand (A>G on the coding strand, the complement: DICER1 is on the minus strand). VCF-style: chr14-95096013-T-C. GRCh37 (hg19) VCF-style: chr14-95562350-T-C.
Other names: c.4907A>G, p.Asp1636Gly (NM_001195573.1, NM_001271282.3, NM_001291628.2 and 12 more transcripts); c.4625A>G, p.Asp1542Gly (NM_001395686.1); c.4502A>G, p.Asp1501Gly (NM_001395687.1, NM_001395688.1, NM_001395689.1 and 2 more transcripts); c.4340A>G, p.Asp1447Gly (NM_001395691.1); c.3224A>G, p.Asp1075Gly (NM_001395697.1); short protein forms D1075G, D1447G, D1501G, D1542G, D1636G.
Identifiers: ClinVar variation 4869804 (VCV004869804.1).
Genomic context (GRCh38, chr14:95,096,013, plus strand): 5'-TCTGCATCTGGATGATCAAACATACATCTTGGTGGAATCTTCAAACAACCATATTCCGAG[T>C]CTTTCAATACAGAAGAGCGTGAACTGGCCACAGAAGCAGCAGCACAGCTCACTGAAAGGT-3'
Protein context (NP_803187.1, residues 1626-1646): VASSRSSVLK[Asp1636Gly]SEYGCLKIPP